The following is an entry in ClinVar:

NM_000051.4(ATM):c.4609_4611+4del

Gene: ATM (ATM serine/threonine kinase; plus strand). Cytogenetic location: 11q22.3.
Variant type: Deletion.
Coding change: c.4609_4611+4del on transcript NM_000051.4 (MANE Select); coding-DNA position 4609 through 4 bases into the intron after coding-DNA position 4611, 7 bases deleted (CAGGTAA; older notation c.4609_4611+4delCAGGTAA).
Molecular consequence: splice donor variant.
Genome position (GRCh38, 1-based): chr11:108,292,791-108,292,797, CAGGTAA deleted; deleting any 7 consecutive bases within chr11:108,292,789-108,292,797 gives the same sequence; the c. name uses the placement nearest the transcript's 3' end. VCF-style (leftmost placement, unchanged base first): chr11-108292788-AAACAGGT-A. GRCh37 (hg19) VCF-style: chr11-108163515-AAACAGGT-A.
Other names: c.4609_4611+4del (NM_001351834.2).
Identifiers: ClinVar variation 5031940 (VCV005031940.1).

ClinVar aggregate classification (germline): Likely pathogenic (1 of 4 stars; one submission).

Conditions:
Hereditary cancer-predisposing syndrome. Also called: Neoplastic Syndromes, Hereditary; Tumor predisposition; Hereditary neoplastic syndrome; Hereditary Cancer Syndrome. Identifiers: Orphanet 140162, MedGen C0027672, MeSH D009386, MONDO:0015356.

Submission:

Ambry Genetics
Classification: Likely pathogenic for Hereditary cancer-predisposing syndrome. Last evaluated: 2026-08-10. Review status: criteria provided, single submitter. Criteria: Ambry Variant Classification Scheme 2023. Collection method: clinical testing. Allele origin: germline.
Comment: The c.4609_4611+4delCAGGTAA variant results from a deletion of 7 nucleotides between positions 4609 and 4611+4 and involves the canonical splice donor site after coding exon 29 of the ATM gene. This variant is considered to be rare based on population cohorts in the Genome Aggregation Database (gnomAD). The canonical splice donor site is highly conserved in available vertebrate species. In silico splice site analysis predicts that this alteration will weaken the native splice donor site; however, direct evidence is insufficient at this time (Ambry internal data). Variants that disrupt the canonical splice site are expected to cause aberrant splicing, resulting in an abnormal protein or a transcript that is subject to nonsense-mediated mRNA decay. As such, this variant is classified as likely pathogenic.